The following is an entry in ClinVar:

ClinVar aggregate classification (germline): Benign. Review status: criteria provided, multiple submitters, no conflicts (2 of 4 stars). 3 submissions from 3 submitters: Benign (3). Last evaluated 2026-01-30.

Conditions:
Age related macular degeneration 1 (ARMD1). Also called: MACULOPATHY, AGE-RELATED, 1. Identifiers: MedGen C1864205, MONDO:0011285, OMIM 603075.

Allele frequency attached by ClinVar (database versions not stated): ESP Exome Variant Server 0.00054; TOPMed 0.00159; 1000 Genomes Project 30x 0.00250; 1000 Genomes Project 0.00319.
gnomAD v4.1: 2,032 of 1,612,748 alleles (0.13%); highest among the groups gnomAD compares: East Asian, 2.6%; 29 homozygotes.

Submissions (3):

Labcorp Genetics (formerly Invitae), Labcorp
Classification: Benign. Last evaluated: 2026-01-30. Review status: criteria provided, single submitter. Criteria: Invitae Variant Classification Sherloc (09022015). Collection method: clinical testing. Allele origin: germline.

Genome-Nilou Lab
Classification: Benign for Age related macular degeneration 1. Last evaluated: 2023-04-11. Review status: criteria provided, single submitter. Criteria: ACMG Guidelines, 2015. Collection method: clinical testing. Allele origin: germline. Affected: no.

Illumina Laboratory Services, Illumina
Classification: Benign for Age related macular degeneration 1. Last evaluated: 2018-01-13. Review status: criteria provided, single submitter. Criteria: ICSL Variant Classification Criteria 13 December 2019. Collection method: clinical testing. Allele origin: germline.
Comment: This variant was observed in the ICSL laboratory as part of a predisposition screen in an ostensibly healthy population. It had not been previously curated by ICSL or reported in the Human Gene Mutation Database (HGMD: prior to June 1st, 2018), and was therefore a candidate for classification through an automated scoring system. Utilizing variant allele frequency, disease prevalence and penetrance estimates, and inheritance mode, an automated score was calculated to assess if this variant is too frequent to cause the disease. Based on the score and internal cut-off values, a variant classified as benign is not then subjected to further curation. The score for this variant resulted in a classification of benign for this disease.

NM_031935.3(HMCN1):c.12906C>T (p.Ala4302=)

Gene: HMCN1 (hemicentin 1; plus strand). Cytogenetic location: 1q31.1.
Variant type: single nucleotide variant.
Coding change: c.12906C>T on transcript NM_031935.3 (MANE Select); coding-DNA position 12906, C replaced by T.
Protein change: p.Ala4302=; no amino-acid change (alanine 4302 retained).
Molecular consequence: synonymous variant.
Genome position (GRCh38, 1-based): chr1:186,129,967, C>T. VCF-style: chr1-186129967-C-T. GRCh37 (hg19) VCF-style: chr1-186099099-C-T.
Identifiers: ClinVar variation 294254 (VCV000294254.13), dbSNP rs144437187, ClinGen allele CA1294497.